The following is an entry in ClinVar:

NM_152443.3(RDH12):c.505C>T (p.Arg169Trp)

Genes: GPHN (gephyrin; plus strand), RDH12 (retinol dehydrogenase 12; plus strand). Cytogenetic location: 14q24.1.
Variant type: single nucleotide variant.
Coding change: c.505C>T on transcript NM_152443.3 (MANE Select); coding-DNA position 505, C replaced by T.
Protein change: p.Arg169Trp; replaces arginine 169 with tryptophan.
Molecular consequence: missense variant.
Genome position (GRCh38, 1-based): chr14:67,727,037, C>T. VCF-style: chr14-67727037-C-T. GRCh37 (hg19) VCF-style: chr14-68193754-C-T.
Other names: NP_689656.2:p.(Arg169Trp); short protein forms R169W.
Identifiers: ClinVar variation 866945 (VCV000866945.15), dbSNP rs761167763, ClinGen allele CA390150768.

ClinVar aggregate classification (germline): Pathogenic/Likely pathogenic. Review status: criteria provided, multiple submitters, no conflicts (2 of 4 stars). 5 submissions from 5 submitters: Pathogenic (4); Likely pathogenic (1). Last evaluated 2025-07-22.

Conditions:
Leber congenital amaurosis (LCA). Also called: Leber's amaurosis. Identifiers: Orphanet 65, MedGen C0339527, MeSH D057130, MONDO:0018998.
RDH12-related disorder. Also called: RDH12-related condition; RDH12-related disorders.
Leber congenital amaurosis 13 (LCA13). Identifiers: MedGen C2675186, MONDO:0012990, OMIM 612712.

gnomAD v4.1: 13 of 1,613,834 alleles (0.00081%); highest among the groups gnomAD compares: African/African-American, 0.004%; no homozygotes.

Submissions (5):

Labcorp Genetics (formerly Invitae), Labcorp
Classification: Pathogenic for Leber congenital amaurosis 13. Last evaluated: 2025-07-22. Review status: criteria provided, single submitter. Criteria: Invitae Variant Classification Sherloc (09022015). Collection method: clinical testing. Allele origin: germline.
Comment: This sequence change replaces arginine, which is basic and polar, with tryptophan, which is neutral and slightly polar, at codon 169 of the RDH12 protein (p.Arg169Trp). This variant is present in population databases (no rsID available, gnomAD 0.004%). This missense change has been observed in individuals with autosomal recessive inherited retinal dystrophy including Leber congenital amaurosis (PMID: 22065924, 23661369, 30134391). ClinVar contains an entry for this variant (Variation ID: 866945). Invitae Evidence Modeling of protein sequence and biophysical properties (such as structural, functional, and spatial information, amino acid conservation, physicochemical variation, residue mobility, and thermodynamic stability) indicates that this missense variant is expected to disrupt RDH12 protein function with a positive predictive value of 80%. This variant disrupts the p.Arg169 amino acid residue in RDH12. Other variant(s) that disrupt this residue have been determined to be pathogenic (PMID: 22065924, 25133751). This suggests that this residue is clinically significant, and that variants that disrupt this residue are likely to be disease-causing. For these reasons, this variant has been classified as Pathogenic.

Women's Health and Genetics/Laboratory Corporation of America, LabCorp
Classification: Likely pathogenic for Leber congenital amaurosis. Last evaluated: 2024-07-08. Review status: criteria provided, single submitter. Criteria: LabCorp Variant Classification Summary - May 2015. Collection method: clinical testing. Allele origin: germline.
Comment: Variant summary: RDH12 c.505C>T (p.Arg169Trp) results in a non-conservative amino acid change in the encoded protein sequence. Five of five in-silico tools predict a damaging effect of the variant on protein function. The variant allele was found at a frequency of 8e-06 in 251474 control chromosomes. c.505C>T has been reported in the literature as compound heterozygous genotype in individuals affected with Leber Congenital Amaurosis or as heterozygous genotype in an individual with autosomal recessive retinitis pigmentosa with a second allele change unknown (Mackay_2011, Del Pozo-Valero_2022, Fu_2013, Jin_2022, Liu_2021, Wang_2018). These data indicate that the variant is likely to be associated with disease. To our knowledge, no experimental evidence demonstrating an impact on protein function has been reported. The following publications have been ascertained in the context of this evaluation (PMID: 35119454, 23661369, 35006499, 33090715, 22065924, 30029497). ClinVar contains an entry for this variant (Variation ID: 866945). Based on the evidence outlined above, the variant was classified as likely pathogenic.

Baylor Genetics
Classification: Pathogenic for Leber congenital amaurosis 13. Last evaluated: 2024-03-26. Review status: criteria provided, single submitter. Criteria: ACMG Guidelines, 2015. Collection method: clinical testing. Allele origin: unknown.

Ophthalmic Genetics Group, Institute of Molecular and Clinical Ophthalmology Basel
Classification: Pathogenic for Leber congenital amaurosis. Last evaluated: 2023-07-24. Review status: criteria provided, single submitter. Criteria: ACMG Guidelines, 2015. Collection method: research. Allele origin: germline. Affected: yes. Observed: 1 variant allele.
Comment: Clinical significance based on ACMG v2.0

This variant was classified as Pathogenic based on ACMG criteria: PP5, PM2, PM5, PM1, PP3, PP2.

Blueprint Genetics
Classification: Pathogenic for RDH12-related disorders. Last evaluated: 2018-05-11. Review status: criteria provided, single submitter. Criteria: ACMG Guidelines, 2015. Collection method: clinical testing. Allele origin: germline. Affected: yes. Observed: 2 variant alleles.

Literature cited by the submitters: PubMed 22065924 (cited by Labcorp Genetics (formerly Invitae), Labcorp and Women's Health and Genetics/Laboratory Corporation of America, LabCorp); PubMed 23661369 (cited by Labcorp Genetics (formerly Invitae), Labcorp and Women's Health and Genetics/Laboratory Corporation of America, LabCorp); PubMed 30134391 (cited by Labcorp Genetics (formerly Invitae), Labcorp); PubMed 25133751 (cited by Labcorp Genetics (formerly Invitae), Labcorp); PubMed 30029497 (cited by Women's Health and Genetics/Laboratory Corporation of America, LabCorp); PubMed 33090715 (cited by Women's Health and Genetics/Laboratory Corporation of America, LabCorp); PubMed 35119454 (cited by Women's Health and Genetics/Laboratory Corporation of America, LabCorp); PubMed 35006499 (cited by Women's Health and Genetics/Laboratory Corporation of America, LabCorp); PubMed 36909829 (cited by Ophthalmic Genetics Group, Institute of Molecular and Clinical Ophthalmology Basel).